The following is an entry in ClinVar:

ClinVar aggregate classification (germline): Uncertain significance (1 of 4 stars; one submission).

Conditions:
Dyskeratosis congenita. Identifiers: Orphanet 1775, MedGen C0265965, MONDO:0015780.

Allele frequency attached by ClinVar (database versions not stated): gnomAD exomes below 0.00001 and 0.00002; gnomAD 0.00001; ExAC 0.00002; 1000 Genomes Project 30x 0.00021; 1000 Genomes Project 0.00026.
gnomAD v4.1: 6 of 1,201,428 alleles (0.0005%); highest among the groups gnomAD compares: Admixed American, 0.0022%; no homozygotes.

Submission:

Labcorp Genetics (formerly Invitae), Labcorp
Classification: Uncertain significance for Dyskeratosis congenita. Last evaluated: 2021-11-14. Review status: criteria provided, single submitter. Criteria: Invitae Variant Classification Sherloc (09022015). Collection method: clinical testing. Allele origin: germline.
Comment: This sequence change replaces glutamic acid, which is acidic and polar, with alanine, which is neutral and non-polar, at codon 484 of the DKC1 protein (p.Glu484Ala). This variant is present in population databases (rs781923825, gnomAD 0.001%). This variant has not been reported in the literature in individuals affected with DKC1-related conditions. Algorithms developed to predict the effect of missense changes on protein structure and function (SIFT, PolyPhen-2, Align-GVGD) all suggest that this variant is likely to be tolerated. In summary, the available evidence is currently insufficient to determine the role of this variant in disease. Therefore, it has been classified as a Variant of Uncertain Significance.

NM_001363.5(DKC1):c.1451A>C (p.Glu484Ala)

Gene: DKC1 (dyskerin pseudouridine synthase 1; plus strand). Cytogenetic location: Xq28.
Variant type: single nucleotide variant.
Coding change: c.1451A>C on transcript NM_001363.5 (MANE Select); coding-DNA position 1451, A replaced by C.
Protein change: p.Glu484Ala; replaces glutamic acid 484 with alanine.
Molecular consequence: missense variant. On other transcripts: 3 prime UTR variant (1), non-coding transcript variant (3).
Genome position (GRCh38, 1-based): chrX:154,776,299, A>C. VCF-style: chrX-154776299-A-C. GRCh37 (hg19) VCF-style: chrX-154004574-A-C.
Other names: c.1436A>C, p.Glu479Ala (NM_001142463.3); c.*677A>C (NM_001288747.2); short protein forms E479A, E484A.
Identifiers: ClinVar variation 1409219 (VCV001409219.3), dbSNP rs781923825, ClinGen allele CA10567277.